The following is an entry in ClinVar:

ClinVar aggregate classification (germline): Pathogenic (1 of 4 stars; one submission).

Conditions:
Hypohidrotic X-linked ectodermal dysplasia (XHED). Also called: ECTODERMAL DYSPLASIA 1; Ectodermal Dysplasia 1, Anhidrotic; ECTODERMAL DYSPLASIA 1, HYPOHIDROTIC/HAIR/TOOTH TYPE, X-LINKED; ECTODERMAL DYSPLASIA 1, HYPOHIDROTIC, X-LINKED; ECTODERMAL DYSPLASIA, HYPOHIDROTIC, 1; CST SYNDROME. Identifiers: Orphanet 181, Orphanet 238468, MedGen C0162359, MONDO:0010585, OMIM 305100.

Allele frequency attached by ClinVar (database versions not stated): gnomAD exomes below 0.00001; ExAC 0.00001.
gnomAD v4.1: 3 of 1,209,256 alleles (0.00025%); highest among the groups gnomAD compares: South Asian, 0.0035%; no homozygotes.

Submission:

Labcorp Genetics (formerly Invitae), Labcorp
Classification: Pathogenic for Hypohidrotic X-linked ectodermal dysplasia. Last evaluated: 2022-05-12. Review status: criteria provided, single submitter. Criteria: Invitae Variant Classification Sherloc (09022015). Collection method: clinical testing. Allele origin: germline.
Comment: For these reasons, this variant has been classified as Pathogenic. Experimental studies have shown that this missense change affects EDA function (PMID: 19623212). Advanced modeling of protein sequence and biophysical properties (such as structural, functional, and spatial information, amino acid conservation, physicochemical variation, residue mobility, and thermodynamic stability) performed at Invitae indicates that this missense variant is expected to disrupt EDA protein function. This missense change has been observed in individual(s) with EDA-related conditions (PMID: 18688569). It has also been observed to segregate with disease in related individuals. This variant is present in population databases (rs764146823, gnomAD 0.001%). This sequence change replaces methionine, which is neutral and non-polar, with threonine, which is neutral and polar, at codon 364 of the EDA protein (p.Met364Thr).

Literature cited by the submitters: PubMed 19623212; PubMed 18688569.

NM_001399.5(EDA):c.1091T>C (p.Met364Thr)

Gene: EDA (ectodysplasin A; plus strand). Cytogenetic location: Xq13.1.
Variant type: single nucleotide variant.
Coding change: c.1091T>C on transcript NM_001399.5 (MANE Select); coding-DNA position 1091, T replaced by C.
Protein change: p.Met364Thr; replaces methionine 364 with threonine.
Molecular consequence: missense variant.
Genome position (GRCh38, 1-based): chrX:70,035,524, T>C. VCF-style: chrX-70035524-T-C. GRCh37 (hg19) VCF-style: chrX-69255374-T-C.
Other names: c.1085T>C, p.Met362Thr (NM_001005609.2); c.1076T>C, p.Met359Thr (NM_001005612.3); short protein forms M359T, M364T, M362T.
Identifiers: ClinVar variation 2138597 (VCV002138597.4), dbSNP rs764146823, ClinGen allele CA10439049.
Genomic context (GRCh38, chrX:70,035,524, plus strand): 5'-ACACTTGCTATACCGCAGGCGTCTGCCTCCTCAAGGCCCGGCAGAAGATCGCCGTCAAGA[T>C]GGTGCACGCTGACATCTCCATCAACATGAGCAAGCACACCACGTTCTTTGGGGCCATCAG-3'
Protein context (NP_001390.1, residues 354-374): LKARQKIAVK[Met364Thr]VHADISINMS